The following is an entry in ClinVar:

ClinVar aggregate classification (germline): Uncertain significance (1 of 4 stars; one submission).

Submission:

Labcorp Genetics (formerly Invitae), Labcorp
Classification: Uncertain significance. Last evaluated: 2023-12-22. Review status: criteria provided, single submitter. Criteria: Invitae Variant Classification Sherloc (09022015). Collection method: clinical testing. Allele origin: germline.
Comment: This sequence change replaces threonine, which is neutral and polar, with alanine, which is neutral and non-polar, at codon 314 of the CREB3L3 protein (p.Thr314Ala). This variant is not present in population databases (gnomAD no frequency). This variant has not been reported in the literature in individuals affected with CREB3L3-related conditions. Advanced modeling of protein sequence and biophysical properties (such as structural, functional, and spatial information, amino acid conservation, physicochemical variation, residue mobility, and thermodynamic stability) performed at Invitae indicates that this missense variant is not expected to disrupt CREB3L3 protein function with a negative predictive value of 80%. In summary, the available evidence is currently insufficient to determine the role of this variant in disease. Therefore, it has been classified as a Variant of Uncertain Significance.

NM_032607.3(CREB3L3):c.940A>G (p.Thr314Ala)

Gene: CREB3L3 (cAMP responsive element binding protein 3 like 3; plus strand). Cytogenetic location: 19p13.3.
Variant type: single nucleotide variant.
Coding change: c.940A>G on transcript NM_032607.3 (MANE Select); coding-DNA position 940, A replaced by G.
Protein change: p.Thr314Ala; replaces threonine 314 with alanine.
Molecular consequence: missense variant.
Genome position (GRCh38, 1-based): chr19:4,171,140, A>G. VCF-style: chr19-4171140-A-G. GRCh37 (hg19) VCF-style: chr19-4171137-A-G.
Other names: c.937A>G, p.Thr313Ala (NM_001271995.2); c.934A>G, p.Thr312Ala (NM_001271996.2); c.833A>G, p.His278Arg (NM_001271997.2); short protein forms T313A, T312A, H278R, T314A.
Identifiers: ClinVar variation 2776184 (VCV002776184.3), dbSNP rs1967037131, ClinGen allele CA403408854.